The following is an entry in ClinVar:

ClinVar aggregate classification (germline): Uncertain significance (1 of 4 stars; one submission).

gnomAD v4.1: 2 of 1,613,996 alleles (0.00012%); highest among the groups gnomAD compares: Non-Finnish European, 0.00017%; no homozygotes.

Submission:

GeneDx
Classification: Uncertain significance. Last evaluated: 2025-07-25. Review status: criteria provided, single submitter. Criteria: GeneDx Variant Classification Process June 2021. Collection method: clinical testing. Allele origin: germline. Affected: yes.
Comment: Not observed at significant frequency in large population cohorts (gnomAD); In silico analysis suggests that this missense variant does not alter protein structure/function; Has not been previously published as pathogenic or benign to our knowledge

NM_001164760.2(PRKAR1B):c.175A>G (p.Lys59Glu)

Gene: PRKAR1B (protein kinase cAMP-dependent type I regulatory subunit beta; minus strand). Cytogenetic location: 7p22.3.
Variant type: single nucleotide variant.
Coding change: c.175A>G on transcript NM_001164760.2 (MANE Select); coding-DNA position 175, A replaced by G.
Protein change: p.Lys59Glu; replaces lysine 59 with glutamic acid.
Molecular consequence: missense variant.
Genome position (GRCh38, 1-based): chr7:711,331, T>C on the plus strand (A>G on the coding strand, the complement: PRKAR1B is on the minus strand). VCF-style: chr7-711331-T-C. GRCh37 (hg19) VCF-style: chr7-750968-T-C.
Other names: c.175A>G, p.Lys59Glu (NM_001164758.2, NM_001164759.1, NM_001164761.2 and 2 more transcripts); short protein forms K59E.
Identifiers: ClinVar variation 4686949 (VCV004686949.1).